The following is an entry in ClinVar:

ClinVar aggregate classification (germline): Uncertain significance (1 of 4 stars; one submission).

Submission:

CeGaT Center for Human Genetics Tuebingen
Classification: Uncertain significance. Last evaluated: 2026-09-01. Review status: criteria provided, single submitter. Criteria: CeGaT Center For Human Genetics Tuebingen Variant Classification Criteria Version 2. Collection method: clinical testing. Allele origin: germline. Affected: yes. Observed: 1 variant allele.
Comment: TTN: PM2

NM_001267550.2(TTN):c.21922G>C (p.Ala7308Pro)

Gene: TTN (titin; minus strand). Cytogenetic location: 2q31.2.
Variant type: single nucleotide variant.
Coding change: c.21922G>C on transcript NM_001267550.2 (MANE Select); coding-DNA position 21922, G replaced by C.
Protein change: p.Ala7308Pro; replaces alanine 7308 with proline.
Molecular consequence: missense variant. On other transcripts: intron variant (3).
Genome position (GRCh38, 1-based): chr2:178,723,085, C>G on the plus strand (G>C on the coding strand, the complement: TTN is on the minus strand). VCF-style: chr2-178723085-C-G. GRCh37 (hg19) VCF-style: chr2-179587812-C-G.
Other names: c.20971G>C, p.Ala6991Pro (NM_001256850.1); c.18190G>C, p.Ala6064Pro (NM_133378.4); c.13282+14997G>C (NM_003319.4); c.13858+14997G>C (NM_133437.4); c.13657+14997G>C (NM_133432.3); short protein forms A6064P, A6991P, A7308P.
Identifiers: ClinVar variation 5041733 (VCV005041733.1).